The following is an entry in ClinVar:

ClinVar aggregate classification (germline): Uncertain significance (1 of 4 stars; one submission).

Submission:

Labcorp Genetics (formerly Invitae), Labcorp
Classification: Uncertain significance. Last evaluated: 2024-07-08. Review status: criteria provided, single submitter. Criteria: Invitae Variant Classification Sherloc (09022015). Collection method: clinical testing. Allele origin: germline.
Comment: This sequence change replaces alanine, which is neutral and non-polar, with glycine, which is neutral and non-polar, at codon 163 of the LEMD3 protein (p.Ala163Gly). This variant is not present in population databases (gnomAD no frequency). This variant has not been reported in the literature in individuals affected with LEMD3-related conditions. Advanced modeling of protein sequence and biophysical properties (such as structural, functional, and spatial information, amino acid conservation, physicochemical variation, residue mobility, and thermodynamic stability) performed at Invitae indicates that this missense variant is not expected to disrupt LEMD3 protein function with a negative predictive value of 80%. In summary, the available evidence is currently insufficient to determine the role of this variant in disease. Therefore, it has been classified as a Variant of Uncertain Significance.

NM_014319.5(LEMD3):c.488C>G (p.Ala163Gly)

Gene: LEMD3 (LEM domain containing 3; plus strand). Cytogenetic location: 12q14.3.
Variant type: single nucleotide variant.
Coding change: c.488C>G on transcript NM_014319.5 (MANE Select); coding-DNA position 488, C replaced by G.
Protein change: p.Ala163Gly; replaces alanine 163 with glycine.
Molecular consequence: missense variant.
Genome position (GRCh38, 1-based): chr12:65,170,084, C>G. VCF-style: chr12-65170084-C-G. GRCh37 (hg19) VCF-style: chr12-65563864-C-G.
Other names: c.488C>G, p.Ala163Gly (NM_001167614.2); short protein forms A163G.
Identifiers: ClinVar variation 3686780 (VCV003686780.2).